The following is an entry in ClinVar:

ClinVar aggregate classification (germline): Uncertain significance (1 of 4 stars; one submission).

Conditions:
Left ventricular noncompaction 8 (LVNC8). Identifiers: Orphanet 154, Orphanet 54260, MedGen C3809288, MONDO:0014152, OMIM 615373.

Submission:

Labcorp Genetics (formerly Invitae), Labcorp
Classification: Uncertain significance for Left ventricular noncompaction 8. Last evaluated: 2022-11-30. Review status: criteria provided, single submitter. Criteria: Invitae Variant Classification Sherloc (09022015). Collection method: clinical testing. Allele origin: germline.
Comment: Algorithms developed to predict the effect of missense changes on protein structure and function are either unavailable or do not agree on the potential impact of this missense change (SIFT: "Deleterious"; PolyPhen-2: "Probably Damaging"; Align-GVGD: "Class C15"). This variant has not been reported in the literature in individuals affected with PRDM16-related conditions. This variant is not present in population databases (gnomAD no frequency). This sequence change replaces phenylalanine, which is neutral and non-polar, with leucine, which is neutral and non-polar, at codon 725 of the PRDM16 protein (p.Phe725Leu). In summary, the available evidence is currently insufficient to determine the role of this variant in disease. Therefore, it has been classified as a Variant of Uncertain Significance.

NM_022114.4(PRDM16):c.2175C>A (p.Phe725Leu)

Gene: PRDM16 (PR/SET domain 16; plus strand). Cytogenetic location: 1p36.32.
Variant type: single nucleotide variant.
Coding change: c.2175C>A on transcript NM_022114.4 (MANE Select); coding-DNA position 2175, C replaced by A.
Protein change: p.Phe725Leu; replaces phenylalanine 725 with leucine.
Molecular consequence: missense variant.
Genome position (GRCh38, 1-based): chr1:3,412,372, C>A. VCF-style: chr1-3412372-C-A. GRCh37 (hg19) VCF-style: chr1-3328936-C-A.
Other names: c.2175C>A, p.Phe725Leu (NM_199454.3); short protein forms F725L.
Identifiers: ClinVar variation 2817673 (VCV002817673.3), dbSNP rs760788835, ClinGen allele CA337999831.
Genomic context (GRCh38, chr1:3,412,372, plus strand): 5'-CCCCGGCTTCATGGGGATGCAGGAGAAGAAGCTGGGCTCGCTCCCCTACCACTCGGCGTT[C>A]CCCTTCCAGTTCCTGCCCAACTTCCCCCACTCCCTTTACCCCTTCACGGACCGAGCCCTC-3'
Protein context (NP_071397.3, residues 715-735): KLGSLPYHSA[Phe725Leu]PFQFLPNFPH